The following is an entry in ClinVar:

ClinVar aggregate classification (germline): Uncertain significance (1 of 4 stars; one submission).

Conditions:
Autosomal recessive nonsyndromic hearing loss 35. Identifiers: Orphanet 90636, MedGen C1837857, MONDO:0012060, OMIM 608565.

gnomAD v4.1: 6 of 1,614,222 alleles (0.00037%); highest among the groups gnomAD compares: Non-Finnish European, 0.00042%; no homozygotes.

Submission:

Juno Genomics, Hangzhou Juno Genomics, Inc
Classification: Uncertain significance for Autosomal recessive nonsyndromic hearing loss 35. Review status: criteria provided, single submitter. Criteria: ACMG Guidelines, 2015. Collection method: clinical testing. Allele origin: germline. Affected: yes.
Comment: Absent from controls (or at extremely low frequency if recessive) in Genome Aggregation Database.;Multiple lines of computational evidence support a deleterious effect on the gene or gene product.

NM_001379180.1(ESRRB):c.382G>A (p.Gly128Arg)

Gene: ESRRB (estrogen related receptor beta; plus strand). Cytogenetic location: 14q24.3.
Variant type: single nucleotide variant.
Coding change: c.382G>A on transcript NM_001379180.1 (MANE Select); coding-DNA position 382, G replaced by A.
Protein change: p.Gly128Arg; replaces glycine 128 with arginine.
Molecular consequence: missense variant.
Genome position (GRCh38, 1-based): chr14:76,439,672, G>A. VCF-style: chr14-76439672-G-A. GRCh37 (hg19) VCF-style: chr14-76906015-G-A.
Other names: c.334G>A, p.Gly112Arg (NM_001411038.1); c.319G>A, p.Gly107Arg (NM_004452.4); short protein forms G107R, G112R, G128R.
Identifiers: ClinVar variation 5020028 (VCV005020028.1).